The following is an entry in ClinVar:

ClinVar aggregate classification (germline): Uncertain significance (1 of 4 stars; one submission).

Conditions:
Combined oxidative phosphorylation defect type 17. Also called: Combined oxidative phosphorylation deficiency 17. Identifiers: Orphanet 369913, MedGen C3809526, MONDO:0014190, OMIM 615440.

Allele frequency attached by ClinVar (database versions not stated): gnomAD exomes below 0.00001.
gnomAD v4.1: 2 of 1,614,172 alleles (0.00012%); highest among the groups gnomAD compares: Middle Eastern, 0.016%; no homozygotes.

Submission:

Labcorp Genetics (formerly Invitae), Labcorp
Classification: Uncertain significance for Combined oxidative phosphorylation defect type 17. Last evaluated: 2022-08-16. Review status: criteria provided, single submitter. Criteria: Invitae Variant Classification Sherloc (09022015). Collection method: clinical testing. Allele origin: germline.
Comment: In summary, the available evidence is currently insufficient to determine the role of this variant in disease. Therefore, it has been classified as a Variant of Uncertain Significance. Algorithms developed to predict the effect of missense changes on protein structure and function are either unavailable or do not agree on the potential impact of this missense change (SIFT: "Tolerated"; PolyPhen-2: "Probably Damaging"; Align-GVGD: "Class C0"). ClinVar contains an entry for this variant (Variation ID: 1510883). This variant has not been reported in the literature in individuals affected with ELAC2-related conditions. This variant is not present in population databases (gnomAD no frequency). This sequence change replaces threonine, which is neutral and polar, with isoleucine, which is neutral and non-polar, at codon 179 of the ELAC2 protein (p.Thr179Ile).

NM_018127.7(ELAC2):c.536C>T (p.Thr179Ile)

Gene: ELAC2 (elaC ribonuclease Z 2; minus strand). Cytogenetic location: 17p12.
Variant type: single nucleotide variant.
Coding change: c.536C>T on transcript NM_018127.7 (MANE Select); coding-DNA position 536, C replaced by T.
Protein change: p.Thr179Ile; replaces threonine 179 with isoleucine.
Molecular consequence: missense variant.
Genome position (GRCh38, 1-based): chr17:13,013,230, G>A on the plus strand (C>T on the coding strand, the complement: ELAC2 is on the minus strand). VCF-style: chr17-13013230-G-A. GRCh37 (hg19) VCF-style: chr17-12916547-G-A.
Other names: c.536C>T, p.Thr179Ile (NM_001165962.2, NM_173717.2); short protein forms T179I.
Identifiers: ClinVar variation 1510883 (VCV001510883.8), dbSNP rs2143669875, ClinGen allele CA398217685.